The following is an entry in ClinVar:

NM_001377.3(DYNC2H1):c.12367-1G>A

Gene: DYNC2H1 (dynein cytoplasmic 2 heavy chain 1; plus strand). Cytogenetic location: 11q22.3.
Variant type: single nucleotide variant.
Coding change: c.12367-1G>A on transcript NM_001377.3 (MANE Select); the canonical splice acceptor site of the intron before coding-DNA position 12367, G replaced by A.
Molecular consequence: splice acceptor variant.
Genome position (GRCh38, 1-based): chr11:103,435,942, G>A. VCF-style: chr11-103435942-G-A. GRCh37 (hg19) VCF-style: chr11-103306670-G-A.
Other names: c.12388-1G>A (NM_001080463.2).
Identifiers: ClinVar variation 2709066 (VCV002709066.3), dbSNP rs2497444053, ClinGen allele CA382288939.

ClinVar aggregate classification (germline): Likely pathogenic (1 of 4 stars; one submission).

Conditions:
Jeune thoracic dystrophy. Also called: Jeune syndrome; Infantile thoracic dystrophy; Thoracic pelvic phalangeal dystrophy; Jeune's syndrome; Chondroectodermal dysplasia-like syndrome; Short-rib thoracic dysplasia. Identifiers: Orphanet 474, MedGen C0265275, MONDO:0018770.

Submission:

Labcorp Genetics (formerly Invitae), Labcorp
Classification: Likely pathogenic for Jeune thoracic dystrophy. Last evaluated: 2024-01-26. Review status: criteria provided, single submitter. Criteria: Invitae Variant Classification Sherloc (09022015). Collection method: clinical testing. Allele origin: germline.
Comment: This sequence change affects an acceptor splice site in intron 85 of the DYNC2H1 gene. It is expected to disrupt RNA splicing. Variants that disrupt the donor or acceptor splice site typically lead to a loss of protein function (PMID: 16199547), and loss-of-function variants in DYNC2H1 are known to be pathogenic (PMID: 23339108, 32753734, 33755199). This variant is not present in population databases (gnomAD no frequency). This variant has not been reported in the literature in individuals affected with DYNC2H1-related conditions. Algorithms developed to predict the effect of sequence changes on RNA splicing suggest that this variant may disrupt the consensus splice site. In summary, the currently available evidence indicates that the variant is pathogenic, but additional data are needed to prove that conclusively. Therefore, this variant has been classified as Likely Pathogenic.

Literature cited by the submitters: PubMed 16199547; PubMed 23339108; PubMed 32753734; PubMed 33755199.